The following is an entry in ClinVar:

ClinVar aggregate classification (germline): Uncertain significance. Review status: criteria provided, multiple submitters, no conflicts (2 of 4 stars). 2 submissions from 2 submitters: Uncertain significance (2). Last evaluated 2024-04-03.

Conditions:
Idiopathic generalized epilepsy. Also called: Generalised epilepsy; EIG. Identifiers: MedGen C0270850, MONDO:0005579, OMIM 600669.
Hyperaldosteronism, familial, type IV (HALD4). Also called: FH IV; ALDOSTERONISM, PRIMARY, AND HYPERTENSION. Identifiers: Orphanet 642671, MedGen C4310756, MONDO:0014875, OMIM 617027.
Epilepsy, childhood absence, susceptibility to, 6. Identifiers: Orphanet 64280, MedGen C2749872, MONDO:0012763, OMIM 611942.

Allele frequency attached by ClinVar (database versions not stated): ExAC 0.00001; gnomAD exomes 0.00001; gnomAD 0.00002; TOPMed 0.00002.
gnomAD v4.1: 19 of 1,610,302 alleles (0.0012%); highest among the groups gnomAD compares: Admixed American, 0.0084%; no homozygotes.

Submissions (2):

Labcorp Genetics (formerly Invitae), Labcorp
Classification: Uncertain significance for Idiopathic generalized epilepsy; Hyperaldosteronism, familial, type IV. Last evaluated: 2024-04-03. Review status: criteria provided, single submitter. Criteria: Invitae Variant Classification Sherloc (09022015). Collection method: clinical testing. Allele origin: germline.
Comment: This sequence change replaces valine, which is neutral and non-polar, with methionine, which is neutral and non-polar, at codon 978 of the CACNA1H protein (p.Val978Met). This variant is present in population databases (rs771078778, gnomAD 0.006%). This variant has not been reported in the literature in individuals affected with CACNA1H-related conditions. Advanced modeling of protein sequence and biophysical properties (such as structural, functional, and spatial information, amino acid conservation, physicochemical variation, residue mobility, and thermodynamic stability) performed at Invitae indicates that this missense variant is not expected to disrupt CACNA1H protein function with a negative predictive value of 80%. In summary, the available evidence is currently insufficient to determine the role of this variant in disease. Therefore, it has been classified as a Variant of Uncertain Significance.

Fulgent Genetics
Classification: Uncertain significance for Epilepsy, childhood absence, susceptibility to, 6; Hyperaldosteronism, familial, type IV. Last evaluated: 2024-02-19. Review status: criteria provided, single submitter. Criteria: ACMG Guidelines, 2015. Collection method: clinical testing. Allele origin: germline.

NM_021098.3(CACNA1H):c.2932G>A (p.Val978Met)

Gene: CACNA1H (calcium voltage-gated channel subunit alpha1 H; plus strand). Cytogenetic location: 16p13.3.
Variant type: single nucleotide variant.
Coding change: c.2932G>A on transcript NM_021098.3 (MANE Select); coding-DNA position 2932, G replaced by A.
Protein change: p.Val978Met; replaces valine 978 with methionine.
Molecular consequence: missense variant.
Genome position (GRCh38, 1-based): chr16:1,207,299, G>A. VCF-style: chr16-1207299-G-A. GRCh37 (hg19) VCF-style: chr16-1257299-G-A.
Other names: c.2932G>A, p.Val978Met (NM_001005407.2); short protein forms V978M.
Identifiers: ClinVar variation 2932172 (VCV002932172.4), dbSNP rs771078778, ClinGen allele CA7800518.